The following is an entry in ClinVar:

ClinVar aggregate classification (germline): Uncertain significance (1 of 4 stars; one submission).

Conditions:
Renal carnitine transport defect (CDSP). Also called: Systemic primary carnitine deficiency; Systemic primary carnitine deficiency disease; Carnitine transporter deficiency; CARNITINE DEFICIENCY, SYSTEMIC, DUE TO DEFECT IN RENAL REABSORPTION OF CARNITINE; Primary carnitine deficiency; CARNITINE TRANSPORTER, PLASMA-MEMBRANE, DEFICIENCY OF. Identifiers: Orphanet 158, MedGen C0342788, MONDO:0008919, OMIM 212140.

Allele frequency attached by ClinVar (database versions not stated): gnomAD exomes below 0.00001; ExAC 0.00001.
gnomAD v4.1: 2 of 1,614,232 alleles (0.00012%); highest among the groups gnomAD compares: Admixed American, 0.0017%; no homozygotes.

Submission:

Labcorp Genetics (formerly Invitae), Labcorp
Classification: Uncertain significance for Renal carnitine transport defect. Last evaluated: 2021-09-17. Review status: criteria provided, single submitter. Criteria: Invitae Variant Classification Sherloc (09022015). Collection method: clinical testing. Allele origin: germline.
Comment: This sequence change replaces proline with serine at codon 366 of the SLC22A5 protein (p.Pro366Ser). The proline residue is moderately conserved and there is a moderate physicochemical difference between proline and serine. This variant is present in population databases (rs767240544, ExAC 0.001%). This variant has not been reported in the literature in individuals with SLC22A5-related disease. Algorithms developed to predict the effect of missense changes on protein structure and function (SIFT, PolyPhen-2, Align-GVGD) all suggest that this variant is likely to be tolerated, but these predictions have not been confirmed by published functional studies and their clinical significance is uncertain. In summary, the available evidence is currently insufficient to determine the role of this variant in disease. Therefore, it has been classified as a Variant of Uncertain Significance.

NM_003060.4(SLC22A5):c.1096C>T (p.Pro366Ser)

Gene: SLC22A5 (solute carrier family 22 member 5; plus strand). Cytogenetic location: 5q31.1.
Variant type: single nucleotide variant.
Coding change: c.1096C>T on transcript NM_003060.4 (MANE Select); coding-DNA position 1096, C replaced by T.
Protein change: p.Pro366Ser; replaces proline 366 with serine.
Molecular consequence: missense variant.
Genome position (GRCh38, 1-based): chr5:132,390,733, C>T. VCF-style: chr5-132390733-C-T. GRCh37 (hg19) VCF-style: chr5-131726425-C-T.
Other names: c.1168C>T, p.Pro390Ser (NM_001308122.2); short protein forms P366S, P390S.
Identifiers: ClinVar variation 1400850 (VCV001400850.5), dbSNP rs767240544, ClinGen allele CA3404079.